The following is an entry in ClinVar:

ClinVar aggregate classification (germline): Conflicting classifications of pathogenicity. Review status: criteria provided, conflicting classifications (1 of 4 stars). 4 submissions from 4 submitters: Uncertain significance (1); Likely benign (2). 1 of the submissions does not count toward it. Last evaluated 2025-12-29.

Conditions:
ADGRV1-related disorder. Also called: ADGRV1-related disorders; ADGRV1-related condition.

Allele frequency attached by ClinVar (database versions not stated): gnomAD 0.00003; TOPMed 0.00003; gnomAD exomes 0.00005 and 0.00006; ExAC 0.00007.
gnomAD v4.1: 76 of 1,611,928 alleles (0.0047%); highest among the groups gnomAD compares: Middle Eastern, 0.016%; no homozygotes.

Submissions (4):

Labcorp Genetics (formerly Invitae), Labcorp
Classification: Likely benign. Last evaluated: 2025-12-29. Review status: criteria provided, single submitter. Criteria: Invitae Variant Classification Sherloc (09022015). Collection method: clinical testing. Allele origin: germline.

CeGaT Center for Human Genetics Tuebingen
Classification: Uncertain significance. Last evaluated: 2025-01-01. Review status: criteria provided, single submitter. Criteria: CeGaT Center For Human Genetics Tuebingen Variant Classification Criteria Version 2. Collection method: clinical testing. Allele origin: germline. Affected: yes. Observed: 1 variant allele.
Comment: ADGRV1: PM2, BP4

Blueprint Genetics
Classification: Likely benign. Last evaluated: 2024-03-21. Review status: criteria provided, single submitter. Criteria: ACMG Guidelines, 2015. Collection method: clinical testing. Allele origin: germline.

PreventionGenetics, part of Exact Sciences
Classification: Likely benign for ADGRV1-related condition. Last evaluated: 2019-03-27. Review status: no assertion criteria provided. Collection method: clinical testing. Allele origin: germline. Not counted in ClinVar's aggregate classification.
Comment: This variant is classified as likely benign based on ACMG/AMP sequence variant interpretation guidelines (Richards et al. 2015 PMID: 25741868, with internal and published modifications).

NM_032119.4(ADGRV1):c.10932T>C (p.Ile3644=)

Gene: ADGRV1 (adhesion G protein-coupled receptor V1; plus strand). Cytogenetic location: 5q14.3.
Variant type: single nucleotide variant.
Coding change: c.10932T>C on transcript NM_032119.4 (MANE Select); coding-DNA position 10932, T replaced by C.
Protein change: p.Ile3644=; no amino-acid change (isoleucine 3644 retained).
Molecular consequence: synonymous variant. On other transcripts: non-coding transcript variant (1).
Genome position (GRCh38, 1-based): chr5:90,745,753, T>C. VCF-style: chr5-90745753-T-C. GRCh37 (hg19) VCF-style: chr5-90041570-T-C.
Other names: c.10932T>C (NM_032119.3).
Identifiers: ClinVar variation 1142117 (VCV001142117.26), dbSNP rs773318505, ClinGen allele CA3340850.